The following is an entry in ClinVar:

ClinVar aggregate classification (germline): Likely benign (1 of 4 stars; one submission).

Conditions:
PRKAG2-related disorder. Also called: PRKAG2-related disorders; PRKAG2-related condition.

gnomAD v4.1: 2 of 1,536,224 alleles (0.00013%); highest among the groups gnomAD compares: Admixed American, 0.002%; no homozygotes.

Submission:

PreventionGenetics, part of Exact Sciences
Classification: Likely benign for PRKAG2-related condition. Last evaluated: 2026-05-27. Review status: criteria provided, single submitter. Criteria: ACMG Guidelines, 2015. Collection method: clinical testing. Allele origin: germline.
Comment: This variant is classified as likely benign based on ACMG/AMP sequence variant interpretation guidelines (Richards et al. 2015 PMID: 25741868, with internal and published modifications).

NM_016203.4(PRKAG2):c.466+45262T>C

Gene: PRKAG2 (protein kinase AMP-activated non-catalytic subunit gamma 2; minus strand). Cytogenetic location: 7q36.1.
Variant type: single nucleotide variant.
Coding change: c.466+45262T>C on transcript NM_016203.4 (MANE Select); 45262 bases into the intron after coding-DNA position 466, T replaced by C.
Molecular consequence: intron variant.
Genome position (GRCh38, 1-based): chr7:151,735,890, A>G on the plus strand (T>C on the coding strand, the complement: PRKAG2 is on the minus strand). VCF-style: chr7-151735890-A-G. GRCh37 (hg19) VCF-style: chr7-151432976-A-G.
Other names: c.466+45262T>C (NM_001407031.1, NM_001407030.1, NM_001407023.1 and 2 more transcripts); c.149-60253T>C (NM_001407032.1); c.334+45262T>C (NM_001407026.1, NM_001040633.2, NM_001407027.1 and 1 more transcripts); c.360+45236T>C (NM_001407033.1); c.94+10T>C (NM_001407037.1, NM_001304527.2, NM_001407029.1 and 2 more transcripts); c.12+10T>C (NM_001407038.1).
Identifiers: ClinVar variation 4982478 (VCV004982478.1).
Genomic context (GRCh38, chr7:151,735,890, plus strand): 5'-GTGCACACACGCCGTGGGGTTCCCTCCCAAGGACAGACCACCAGGGGCTCGGGAATGGGC[A>G]GAGTCCTACCGAAAAGGCCATGAGGCTCCGACTGGCGCCTCTCCGTGCTTCGATTTTGGT-3'